The following is an entry in ClinVar:

ClinVar aggregate classification (germline): Likely pathogenic. Review status: criteria provided, multiple submitters, no conflicts (2 of 4 stars). 2 submissions from 2 submitters: Likely pathogenic (2). Last evaluated 2025-03-30.

Conditions:
Muscular dystrophy-dystroglycanopathy (congenital with impaired intellectual development), type B, 2. Also called: Muscular dystrophy-dystroglycanopathy (congenital with intellectual disability), type B2; MUSCULAR DYSTROPHY, CONGENITAL, POMT2-RELATED. Identifiers: MedGen C3150416, MONDO:0013160, OMIM 613156.
Autosomal recessive limb-girdle muscular dystrophy type 2N. Also called: Muscular dystrophy-dystroglycanopathy (limb-girdle), type C, 2; MUSCULAR DYSTROPHY-DYSTROGLYCANOPATHY, LIMB-GIRDLE, POMT2-RELATED. Identifiers: Orphanet 206559, MedGen C3150418, MONDO:0013162, OMIM 613158.
Muscular dystrophy-dystroglycanopathy (congenital with brain and eye anomalies), type A2. Also called: MUSCULAR DYSTROPHY-DYSTROGLYCANOPATHY (CONGENITAL WITH BRAIN AND EYE ANOMALIES), TYPE A, 2; WALKER-WARBURG SYNDROME OR MUSCLE-EYE-BRAIN DISEASE, POMT2-RELATED. Identifiers: Orphanet 588, Orphanet 899, MedGen C3150411, MONDO:0013154, OMIM 613150.

Allele frequency attached by ClinVar (database versions not stated): TOPMed below 0.00001; gnomAD 0.00001; gnomAD exomes 0.00001.

Submissions (2):

Labcorp Genetics (formerly Invitae), Labcorp
Classification: Likely pathogenic for Muscular dystrophy-dystroglycanopathy (congenital with impaired intellectual development), type B, 2; Muscular dystrophy-dystroglycanopathy (congenital with brain and eye anomalies), type A2; Autosomal recessive limb-girdle muscular dystrophy type 2N. Last evaluated: 2025-03-30. Review status: criteria provided, single submitter. Criteria: Invitae Variant Classification Sherloc (09022015). Collection method: clinical testing. Allele origin: germline.
Comment: This sequence change affects a splice site in intron 13 of the POMT2 gene. It is expected to disrupt RNA splicing. Variants that disrupt the donor or acceptor splice site typically lead to a loss of protein function (PMID: 16199547), and loss-of-function variants in POMT2 are known to be pathogenic (PMID: 15894594). This variant is not present in population databases (gnomAD no frequency). This variant has not been reported in the literature in individuals affected with POMT2-related conditions. ClinVar contains an entry for this variant (Variation ID: 579922). Algorithms developed to predict the effect of sequence changes on RNA splicing suggest that this variant may disrupt the consensus splice site. In summary, the currently available evidence indicates that the variant is pathogenic, but additional data are needed to prove that conclusively. Therefore, this variant has been classified as Likely Pathogenic.

Baylor Genetics
Classification: Likely pathogenic for Muscular dystrophy-dystroglycanopathy (congenital with brain and eye anomalies), type A2. Last evaluated: 2024-01-09. Review status: criteria provided, single submitter. Criteria: ACMG Guidelines, 2015. Collection method: clinical testing. Allele origin: unknown.

Literature cited by the submitters: PubMed 16199547 (cited by Labcorp Genetics (formerly Invitae), Labcorp); PubMed 15894594 (cited by Labcorp Genetics (formerly Invitae), Labcorp).

NM_013382.7(POMT2):c.1485-2_1485-1del

Gene: POMT2 (protein O-mannosyltransferase 2; minus strand). Cytogenetic location: 14q24.3.
Variant type: Deletion.
Coding change: c.1485-2_1485-1del on transcript NM_013382.7 (MANE Select); the canonical splice acceptor site of the intron before coding-DNA position 1485, 2 bases deleted (AG; older notation c.1485-2_1485-1delAG).
Molecular consequence: splice acceptor variant.
Genome position (GRCh38, 1-based): chr14:77,285,042-77,285,043, CT deleted on the plus strand (AG on the coding strand, the reverse complement: POMT2 is on the minus strand). VCF-style (leftmost placement, unchanged base first): chr14-77285041-CCT-C. GRCh37 (hg19) VCF-style: chr14-77751384-CCT-C.
Other names: c.1485-2_1485-1delAG (NM_013382.5).
Identifiers: ClinVar variation 579922 (VCV000579922.8), dbSNP rs1185491348, ClinGen allele CA708712025.